The following is an entry in ClinVar:

ClinVar aggregate classification (germline): Benign (1 of 4 stars; one submission).

Allele frequency attached by ClinVar (database versions not stated): 1000 Genomes Project 0.33826; 1000 Genomes Project 30x 0.34088; TOPMed 0.45763; gnomAD 0.47120 and 0.47367; gnomAD exomes 0.60179.

Submission:

GeneDx
Classification: Benign. Last evaluated: 2018-06-14. Review status: criteria provided, single submitter. Criteria: GeneDx Variant Classification (06012015). Collection method: clinical testing. Allele origin: germline. Affected: yes.
Comment: This variant is considered likely benign or benign based on one or more of the following criteria: it is a conservative change, it occurs at a poorly conserved position in the protein, it is predicted to be benign by multiple in silico algorithms, and/or has population frequency not consistent with disease.

NM_014845.6(FIG4):c.2180+63G>T

Gene: FIG4 (FIG4 phosphoinositide 5-phosphatase; plus strand). Cytogenetic location: 6q21.
Variant type: single nucleotide variant.
Coding change: c.2180+63G>T on transcript NM_014845.6 (MANE Select); 63 bases into the intron after coding-DNA position 2180, G replaced by T.
Molecular consequence: intron variant.
Genome position (GRCh38, 1-based): chr6:109,789,740, G>T. VCF-style: chr6-109789740-G-T. GRCh37 (hg19) VCF-style: chr6-110110943-G-T.
Identifiers: ClinVar variation 670528 (VCV000670528.1), dbSNP rs9384723, ClinGen allele CA12332569.